The following is an entry in ClinVar:

ClinVar aggregate classification (germline): Uncertain significance (1 of 4 stars; one submission).

Conditions:
Malignant hyperthermia, susceptibility to, 1 (MHS1). Also called: RYR1-Related Malignant Hyperthermia Susceptibility; Anesthesia related hyperthermia; Malignant hyperpyrexia; Fulminating hyperpyrexia; Pharmacogenic myopathy; Malignant hyperthermia suceptibility 1. Identifiers: Orphanet 423, MedGen C2930980, MONDO:0007783, OMIM 145600.

Submission:

All of Us Research Program, National Institutes of Health
Classification: Uncertain significance for Malignant hyperthermia, susceptibility to, 1. Last evaluated: 2023-04-03. Review status: criteria provided, single submitter. Criteria: ACMG Guidelines, 2015. Collection method: clinical testing. Allele origin: germline. Inheritance: Autosomal dominant inheritance. Observed: 1 variant allele, 1 heterozygote.
Comment: This variant causes the in-frame deletion of one amino acid, alanine 1304, in the RYR1 protein. To our knowledge, functional studies have not been reported for this variant. This variant has not been reported in individuals affected with RYR1-related disorders in the literature. This variant has not been identified in the general population by the Genome Aggregation Database (gnomAD). The available evidence is insufficient to determine the role of this variant in disease conclusively. Therefore, this variant is classified as a Variant of Uncertain Significance.

This study involves interpretation of variants in research participants for the purpose of population health screening. Participant phenotype was not available at the time of variant classification. Additional details can be found in publication PMID: 35346344, PMCID: PMC8962531

NM_000540.3(RYR1):c.3909_3911del (p.Ala1304del)

Gene: RYR1 (ryanodine receptor 1; plus strand). Cytogenetic location: 19q13.2.
Variant type: Deletion.
Coding change: c.3909_3911del on transcript NM_000540.3 (MANE Select); coding-DNA positions 3909 to 3911, 3 bases deleted (TGC; older notation c.3909_3911delTGC).
Protein change: p.Ala1304del; deletes alanine 1304.
Molecular consequence: inframe deletion.
Genome position (GRCh38, 1-based): chr19:38,473,520-38,473,522, TGC deleted; deleting any 3 consecutive bases within chr19:38,473,519-38,473,522 gives the same sequence; the c. name uses the placement nearest the transcript's 3' end. VCF-style (leftmost placement, unchanged base first): chr19-38473518-ACTG-A. GRCh37 (hg19) VCF-style: chr19-38964158-ACTG-A.
Other names: c.3909_3911del, p.Ala1304del (NM_001042723.2); short protein forms A1304del.
Identifiers: ClinVar variation 3070182 (VCV003070182.1), dbSNP rs1968542971, ClinGen allele CA2335040567.